The following is an entry in ClinVar:

NM_004287.5(GOSR2):c.380A>G (p.Asn127Ser)

Genes: GOSR2 (golgi SNAP receptor complex member 2; plus strand), LRRC37A2 (leucine rich repeat containing 37 member A2). Cytogenetic location: 17q21.32.
Variant type: single nucleotide variant.
Coding change: c.380A>G on transcript NM_004287.5 (MANE Select); coding-DNA position 380, A replaced by G.
Protein change: p.Asn127Ser; replaces asparagine 127 with serine.
Molecular consequence: missense variant. On other transcripts: non-coding transcript variant (1), intron variant (4).
Genome position (GRCh38, 1-based): chr17:46,935,072, A>G. VCF-style: chr17-46935072-A-G. GRCh37 (hg19) VCF-style: chr17-45012438-A-G.
Other names: c.380A>G, p.Asn127Ser (NM_001012511.3, NM_001321133.2, NM_054022.4); c.377A>G, p.Asn126Ser (NM_001353114.2); c.326A>G, p.Asn109Ser (NM_001363851.2); c.282+2873A>G (NM_001321134.2); c.336+2873A>G (NM_001330252.2); c.333+2873A>G (NM_001353115.2, NM_001353116.2); short protein forms N109S, N126S, N127S.
Identifiers: ClinVar variation 1996336 (VCV001996336.4), dbSNP rs773995951, ClinGen allele CA8621286.
Genomic context (GRCh38, chr17:46,935,072, plus strand): 5'-CTGTGTTTCTTTCACAGGACTCTGACACCACCATACCAATGGACGAATCACTGCAGTTTA[A>G]CTCCTCCCTCCAGAAAGTTCACAACGGCATGGATGACCTCATTTTAGATGGGCACAATAT-3'
Protein context (NP_004278.2, residues 117-137): TIPMDESLQF[Asn127Ser]SSLQKVHNGM

ClinVar aggregate classification (germline): Uncertain significance (1 of 4 stars; one submission).

Conditions:
Progressive myoclonic epilepsy. Also called: Familial progressive myoclonic epilepsy; Myoclonic Epilepsies, Progressive; Myoclonus epilepsy; Progressive myoclonus epilepsy. Identifiers: Orphanet 308, Orphanet 98261, MedGen C0751778, MONDO:0020074.

Allele frequency attached by ClinVar (database versions not stated): gnomAD exomes below 0.00001; ExAC 0.00001.
gnomAD v4.1: 1 of 1,612,248 alleles (0.000062%); highest among the groups gnomAD compares: South Asian, 0.0011%; no homozygotes.

Submission:

Labcorp Genetics (formerly Invitae), Labcorp
Classification: Uncertain significance for Progressive myoclonic epilepsy. Last evaluated: 2022-05-19. Review status: criteria provided, single submitter. Criteria: Invitae Variant Classification Sherloc (09022015). Collection method: clinical testing. Allele origin: germline.
Comment: This sequence change replaces asparagine, which is neutral and polar, with serine, which is neutral and polar, at codon 127 of the GOSR2 protein (p.Asn127Ser). This variant is present in population databases (rs773995951, gnomAD 0.003%). This variant has not been reported in the literature in individuals affected with GOSR2-related conditions. Algorithms developed to predict the effect of missense changes on protein structure and function are either unavailable or do not agree on the potential impact of this missense change (SIFT: "Deleterious"; PolyPhen-2: "Possibly Damaging"; Align-GVGD: "Class C0"). In summary, the available evidence is currently insufficient to determine the role of this variant in disease. Therefore, it has been classified as a Variant of Uncertain Significance.